The following is an entry in ClinVar:

ClinVar aggregate classification (germline): Uncertain significance (1 of 4 stars; one submission).

Submission:

GeneDx
Classification: Uncertain significance. Last evaluated: 2024-05-22. Review status: criteria provided, single submitter. Criteria: GeneDx Variant Classification Process June 2021. Collection method: clinical testing. Allele origin: germline. Affected: yes.
Comment: Not observed at significant frequency in large population cohorts (gnomAD); Missense variant in a gene in which most reported pathogenic variants are truncating/loss of function; Has not been previously published as pathogenic or benign to our knowledge

NM_001267550.2(TTN):c.30958C>A (p.Pro10320Thr)

Gene: TTN (titin; minus strand). Cytogenetic location: 2q31.2.
Variant type: single nucleotide variant.
Coding change: c.30958C>A on transcript NM_001267550.2 (MANE Select); coding-DNA position 30958, C replaced by A.
Protein change: p.Pro10320Thr; replaces proline 10320 with threonine.
Molecular consequence: missense variant. On other transcripts: intron variant (3).
Genome position (GRCh38, 1-based): chr2:178,696,114, G>T on the plus strand (C>A on the coding strand, the complement: TTN is on the minus strand). VCF-style: chr2-178696114-G-T. GRCh37 (hg19) VCF-style: chr2-179560841-G-T.
Other names: c.30007C>A, p.Pro10003Thr (NM_001256850.1); c.27226C>A, p.Pro9076Thr (NM_133378.4); c.13282+41968C>A (NM_003319.4); c.13858+41968C>A (NM_133437.4); c.13657+41968C>A (NM_133432.3); short protein forms P10003T, P10320T, P9076T.
Identifiers: ClinVar variation 3381305 (VCV003381305.1).